The following is an entry in ClinVar:

ClinVar aggregate classification (germline): Uncertain significance. Review status: criteria provided, single submitter (1 of 4 stars). 2 submissions from 2 submitters: Uncertain significance (1). 1 of the submissions does not count toward it. Last evaluated 2024-04-09.

Conditions:
Mucopolysaccharidosis type 6 (MPS6). Also called: MPS 6; Maroteaux Lamy syndrome; ARSB DEFICIENCY; ARYLSULFATASE B DEFICIENCY; N-ACETYLGALACTOSAMINE-4-SULFATASE DEFICIENCY; MPS VI. Identifiers: Orphanet 583, MedGen C0026709, MONDO:0009661, OMIM 253200.

gnomAD v4.1: 2 of 1,613,796 alleles (0.00012%); highest among the groups gnomAD compares: Non-Finnish European, 0.00017%; no homozygotes.

Submissions (2):

Women's Health and Genetics/Laboratory Corporation of America, LabCorp
Classification: Uncertain significance. Last evaluated: 2024-04-09. Review status: criteria provided, single submitter. Criteria: LabCorp Variant Classification Summary - May 2015. Collection method: clinical testing. Allele origin: germline.
Comment: Variant summary: ARSB c.1072G>T (p.Val358Leu) results in a conservative amino acid change located in the Sulfatase, N-terminal (IPR047115) of the encoded protein sequence. Four of five in-silico tools predict a benign effect of the variant on protein function. The variant was absent in 251208 control chromosomes. The available data on variant occurrences in the general population are insufficient to allow any conclusion about variant significance. c.1072G>T has been reported in the literature in individuals affected with Mucopolysaccharidosis Type VI (Maroteaux-Lamy Syndrome) without evidence for causality. These report(s) do not provide unequivocal conclusions about association of the variant with Mucopolysaccharidosis Type VI (Maroteaux-Lamy Syndrome). Co-occurrences with other pathogenic variant(s) have been reported (ARSB c.979G>T , p.Arg327X, Fang_2022), providing supporting evidence for a benign role. To our knowledge, no experimental evidence demonstrating an impact on protein function has been reported. The following publication have been ascertained in the context of this evaluation (PMID: 34813777). No submitters have cited clinical-significance assessments for this variant to ClinVar. Based on the evidence outlined above, the variant was classified as uncertain significance.

Natera, Inc.
Classification: Uncertain significance for Mucopolysaccharidosis type VI. Last evaluated: 2025-05-12. Review status: no assertion criteria provided. Collection method: clinical testing. Allele origin: germline. Not counted in ClinVar's aggregate classification.

Literature cited by the submitters: PubMed 34813777 (cited by Women's Health and Genetics/Laboratory Corporation of America, LabCorp).

NM_000046.5(ARSB):c.1072G>T (p.Val358Leu)

Gene: ARSB (arylsulfatase B; minus strand). Cytogenetic location: 5q14.1.
Variant type: single nucleotide variant.
Coding change: c.1072G>T on transcript NM_000046.5 (MANE Select); coding-DNA position 1072, G replaced by T.
Protein change: p.Val358Leu; replaces valine 358 with leucine.
Molecular consequence: missense variant.
Genome position (GRCh38, 1-based): chr5:78,885,654, C>A on the plus strand (G>T on the coding strand, the complement: ARSB is on the minus strand). VCF-style: chr5-78885654-C-A. GRCh37 (hg19) VCF-style: chr5-78181477-C-A.
Other names: c.1072G>T, p.Val358Leu (NM_198709.3); c.1072G>T (NM_000046.4); short protein forms V358L.
Identifiers: ClinVar variation 3251384 (VCV003251384.2), dbSNP rs1065757.
Genomic context (GRCh38, chr5:78,885,654, plus strand): 5'-TCCACACGTCGAAGCCATCCAGAGGCTTTGTGCCATTGGTGTGTCCCCTGGCCAGCTTCA[C>A]GAGTGTTGGCAGCCAGTCAGAGATGTGGATGAGCTCCCGGTTCTTCACGCCCTTCTGCTT-3'
Protein context (NP_000037.2, residues 348-368): IHISDWLPTL[Val358Leu]KLARGHTNGT